The following is an entry in ClinVar:

NM_133259.4(LRPPRC):c.2516C>A (p.Ser839Tyr)

Gene: LRPPRC (leucine rich pentatricopeptide repeat containing; minus strand). Cytogenetic location: 2p21.
Variant type: single nucleotide variant.
Coding change: c.2516C>A on transcript NM_133259.4 (MANE Select); coding-DNA position 2516, C replaced by A.
Protein change: p.Ser839Tyr; replaces serine 839 with tyrosine.
Molecular consequence: missense variant.
Genome position (GRCh38, 1-based): chr2:43,934,867, G>T on the plus strand (C>A on the coding strand, the complement: LRPPRC is on the minus strand). VCF-style: chr2-43934867-G-T. GRCh37 (hg19) VCF-style: chr2-44162006-G-T.
Other names: short protein forms S839Y.
Identifiers: ClinVar variation 3766079 (VCV003766079.1).

ClinVar aggregate classification (germline): Uncertain significance (1 of 4 stars; one submission).

gnomAD v4.1: 3 of 1,612,898 alleles (0.00019%); highest among the groups gnomAD compares: Non-Finnish European, 0.00017%; no homozygotes.

Submission:

GeneDx
Classification: Uncertain significance. Last evaluated: 2024-08-26. Review status: criteria provided, single submitter. Criteria: GeneDx Variant Classification Process June 2021. Collection method: clinical testing. Allele origin: germline. Affected: yes.
Comment: Not observed at significant frequency in large population cohorts (gnomAD); In silico analysis indicates that this missense variant does not alter protein structure/function; Has not been previously published as pathogenic or benign to our knowledge